The following is an entry in ClinVar:

NM_001101362.3(KBTBD13):c.473_474del (p.Ala158fs)

Gene: KBTBD13 (kelch repeat and BTB domain containing 13; plus strand). Cytogenetic location: 15q22.31.
Variant type: Microsatellite.
Coding change: c.473_474del on transcript NM_001101362.3 (MANE Select); coding-DNA positions 473 to 474, 2 bases deleted (CG; older notation c.473_474delCG).
Protein change: p.Ala158fs; shifts the reading frame from alanine 158.
Molecular consequence: frameshift variant.
Genome position (GRCh38, 1-based): chr15:65,077,288-65,077,289, CG deleted; deleting any 2 consecutive bases within chr15:65,077,286-65,077,289 gives the same sequence; the c. name uses the placement nearest the transcript's 3' end. VCF-style (leftmost placement, unchanged base first): chr15-65077285-ACG-A. GRCh37 (hg19) VCF-style: chr15-65369623-ACG-A.
Other names: short protein forms A158fs.
Identifiers: ClinVar variation 1990031 (VCV001990031.4), dbSNP rs2506307464, ClinGen allele CA2575759311.

ClinVar aggregate classification (germline): Uncertain significance (1 of 4 stars; one submission).

Conditions:
Nemaline myopathy 6 (NEM6). Also called: Nemaline myopathy 6, autosomal dominant. Identifiers: Orphanet 171439, MedGen C1836472, MONDO:0012237, OMIM 609273.

Submission:

Labcorp Genetics (formerly Invitae), Labcorp
Classification: Uncertain significance for Nemaline myopathy 6. Last evaluated: 2022-08-27. Review status: criteria provided, single submitter. Criteria: Invitae Variant Classification Sherloc (09022015). Collection method: clinical testing. Allele origin: germline.
Comment: In summary, the available evidence is currently insufficient to determine the role of this variant in disease. Therefore, it has been classified as a Variant of Uncertain Significance. This variant has not been reported in the literature in individuals affected with KBTBD13-related conditions. This variant is not present in population databases (gnomAD no frequency). This sequence change creates a premature translational stop signal (p.Ala158Glyfs*92) in the KBTBD13 gene. While this is not anticipated to result in nonsense mediated decay, it is expected to disrupt the last 301 amino acid(s) of the KBTBD13 protein.